The following is an entry in ClinVar:

NM_006922.4(SCN3A):c.479C>T (p.Thr160Ile)

Gene: SCN3A (sodium voltage-gated channel alpha subunit 3; minus strand). Cytogenetic location: 2q24.3.
Variant type: single nucleotide variant.
Coding change: c.479C>T on transcript NM_006922.4 (MANE Select); coding-DNA position 479, C replaced by T.
Protein change: p.Thr160Ile; replaces threonine 160 with isoleucine.
Molecular consequence: missense variant.
Genome position (GRCh38, 1-based): chr2:165,164,515, G>A on the plus strand (C>T on the coding strand, the complement: SCN3A is on the minus strand). VCF-style: chr2-165164515-G-A. GRCh37 (hg19) VCF-style: chr2-166021025-G-A.
Other names: c.479C>T, p.Thr160Ile (NM_001081676.2, NM_001081677.2); short protein forms T160I.
Identifiers: ClinVar variation 2000792 (VCV002000792.4), dbSNP rs2468493543, ClinGen allele CA349240150.

ClinVar aggregate classification (germline): Uncertain significance (1 of 4 stars; one submission).

Submission:

Labcorp Genetics (formerly Invitae), Labcorp
Classification: Uncertain significance. Last evaluated: 2022-05-29. Review status: criteria provided, single submitter. Criteria: Invitae Variant Classification Sherloc (09022015). Collection method: clinical testing. Allele origin: germline.
Comment: This sequence change replaces threonine, which is neutral and polar, with isoleucine, which is neutral and non-polar, at codon 160 of the SCN3A protein (p.Thr160Ile). This variant is not present in population databases (gnomAD no frequency). This variant has not been reported in the literature in individuals affected with SCN3A-related conditions. Algorithms developed to predict the effect of missense changes on protein structure and function are either unavailable or do not agree on the potential impact of this missense change (SIFT: "Deleterious"; PolyPhen-2: "Possibly Damaging"; Align-GVGD: "Class C0"). In summary, the available evidence is currently insufficient to determine the role of this variant in disease. Therefore, it has been classified as a Variant of Uncertain Significance.